The following is an entry in ClinVar:

ClinVar aggregate classification (germline): Uncertain significance. Review status: criteria provided, multiple submitters, no conflicts (2 of 4 stars). 2 submissions from 2 submitters: Uncertain significance (2). Last evaluated 2024-12-19.

Conditions:
Congenital contractural arachnodactyly (CCA). Also called: Beals-Hecht syndrome; BEALS SYNDROME; Arthrogryposis, distal, type 9. Identifiers: Orphanet 115, MedGen C0220668, MONDO:0007363, OMIM 121050.

Allele frequency attached by ClinVar (database versions not stated): gnomAD exomes below 0.00001 and 0.00001.
gnomAD v4.1: 6 of 1,614,024 alleles (0.00037%); highest among the groups gnomAD compares: Non-Finnish European, 0.00051%; no homozygotes.

Submissions (2):

Labcorp Genetics (formerly Invitae), Labcorp
Classification: Uncertain significance for Congenital contractural arachnodactyly. Last evaluated: 2024-12-19. Review status: criteria provided, single submitter. Criteria: Invitae Variant Classification Sherloc (09022015). Collection method: clinical testing. Allele origin: germline.
Comment: This sequence change replaces arginine, which is basic and polar, with serine, which is neutral and polar, at codon 1120 of the FBN2 protein (p.Arg1120Ser). This variant is present in population databases (no rsID available, gnomAD 0.0009%). This variant has not been reported in the literature in individuals affected with FBN2-related conditions. ClinVar contains an entry for this variant (Variation ID: 213307). Invitae Evidence Modeling of protein sequence and biophysical properties (such as structural, functional, and spatial information, amino acid conservation, physicochemical variation, residue mobility, and thermodynamic stability) indicates that this missense variant is not expected to disrupt FBN2 protein function with a negative predictive value of 80%. In summary, the available evidence is currently insufficient to determine the role of this variant in disease. Therefore, it has been classified as a Variant of Uncertain Significance.

GeneDx
Classification: Uncertain significance. Last evaluated: 2012-11-05. Review status: criteria provided, single submitter. Criteria: GeneDx Variant Classification (06012015). Collection method: clinical testing. Allele origin: germline. Affected: yes.
Comment: p.Arg1120Ser (AGG>AGT): c.3360 G>T in exon 26 of the FBN2 gene (NM_001999.3). The Arg1120Ser variant in the FBN2 gene has not been reported as a disease-causing mutation or as a benign polymorphism to our knowledge. Arg1120Ser results in a semi-conservative amino acid substitution of a positively charged Arginine with a neutral, polar Serine at a position that is class conserved across species. Mutations in nearby codons (Asp1115His, Ser1120Pro) have been reported in association with congenital contractural arachnodactyly supporting the functional importance of this region of the protein. The NHLBI ESP Exome Variant Server reports Arg1120Ser was not observed in approximately 6,000 samples from individuals of European and African American backgrounds, indicating it is not a common benign variant in these populations. With the clinical and molecular information available at this time, we cannot definitively determine if Arg1120Ser is a disease-causing mutation or a rare benign variant.This variant was found in TAAD

NM_001999.4(FBN2):c.3360G>T (p.Arg1120Ser)

Gene: FBN2 (fibrillin 2; minus strand). Cytogenetic location: 5q23.3.
Variant type: single nucleotide variant.
Coding change: c.3360G>T on transcript NM_001999.4 (MANE Select); coding-DNA position 3360, G replaced by T.
Protein change: p.Arg1120Ser; replaces arginine 1120 with serine.
Molecular consequence: missense variant.
Genome position (GRCh38, 1-based): chr5:128,339,045, C>A on the plus strand (G>T on the coding strand, the complement: FBN2 is on the minus strand). VCF-style: chr5-128339045-C-A. GRCh37 (hg19) VCF-style: chr5-127674737-C-A.
Other names: short protein forms R1120S.
Identifiers: ClinVar variation 213307 (VCV000213307.4), dbSNP rs863223564, ClinGen allele CA320514.